The following is an entry in ClinVar:

NM_014967.5(FAN1):c.1606C>T (p.Arg536Ter)

Gene: FAN1 (FANCD2 and FANCI associated nuclease 1; plus strand). Cytogenetic location: 15q13.3.
Variant type: single nucleotide variant.
Coding change: c.1606C>T on transcript NM_014967.5 (MANE Select); coding-DNA position 1606, C replaced by T.
Protein change: p.Arg536Ter; replaces arginine 536 with a stop codon.
Molecular consequence: nonsense.
Genome position (GRCh38, 1-based): chr15:30,913,886, C>T. VCF-style: chr15-30913886-C-T. GRCh37 (hg19) VCF-style: chr15-31206089-C-T.
Other names: short protein forms R536*.
Identifiers: ClinVar variation 3721634 (VCV003721634.2), dbSNP rs1408556558.

ClinVar aggregate classification (germline): Pathogenic (1 of 4 stars; one submission).

gnomAD v4.1: 12 of 1,613,828 alleles (0.00074%); highest among the groups gnomAD compares: East Asian, 0.0067%; no homozygotes.

Submission:

Labcorp Genetics (formerly Invitae), Labcorp
Classification: Pathogenic. Last evaluated: 2024-09-11. Review status: criteria provided, single submitter. Criteria: Invitae Variant Classification Sherloc (09022015). Collection method: clinical testing. Allele origin: germline.
Comment: This sequence change creates a premature translational stop signal (p.Arg536*) in the FAN1 gene. It is expected to result in an absent or disrupted protein product. Loss-of-function variants in FAN1 are known to be pathogenic (PMID: 22772369). This variant is present in population databases (no rsID available, gnomAD 0.009%). This premature translational stop signal has been observed in individual(s) with karyomegalic interstitial nephritis (PMID: 22772369). For these reasons, this variant has been classified as Pathogenic.

Literature cited by the submitters: PubMed 22772369.